The following is an entry in ClinVar:

NM_006939.4(SOS2):c.3706C>T (p.Pro1236Ser)

Gene: SOS2 (SOS Ras/Rho guanine nucleotide exchange factor 2; minus strand). Cytogenetic location: 14q21.3.
Variant type: single nucleotide variant.
Coding change: c.3706C>T on transcript NM_006939.4 (MANE Select); coding-DNA position 3706, C replaced by T.
Protein change: p.Pro1236Ser; replaces proline 1236 with serine.
Molecular consequence: missense variant.
Genome position (GRCh38, 1-based): chr14:50,118,637, G>A on the plus strand (C>T on the coding strand, the complement: SOS2 is on the minus strand). VCF-style: chr14-50118637-G-A. GRCh37 (hg19) VCF-style: chr14-50585355-G-A.
Other names: c.3607C>T, p.Pro1203Ser (NM_001411020.1); short protein forms P1203S, P1236S.
Identifiers: ClinVar variation 3250822 (VCV003250822.18), dbSNP rs2502757277.

ClinVar aggregate classification (germline): Uncertain significance (1 of 4 stars; one submission).

Submission:

CeGaT Center for Human Genetics Tuebingen
Classification: Uncertain significance. Last evaluated: 2024-06-01. Review status: criteria provided, single submitter. Criteria: CeGaT Center For Human Genetics Tuebingen Variant Classification Criteria Version 2. Collection method: clinical testing. Allele origin: germline. Affected: yes. Observed: 1 variant allele.
Comment: SOS2: PM2, BP4